The following is an entry in ClinVar:

ClinVar aggregate classification (germline): Uncertain significance (1 of 4 stars; one submission).

Submission:

GeneDx
Classification: Uncertain significance. Last evaluated: 2026-02-04. Review status: criteria provided, single submitter. Criteria: GeneDx Variant Classification Process June 2021. Collection method: clinical testing. Allele origin: germline.
Comment: Not observed at significant frequency in large population cohorts (gnomAD); In silico analysis suggests that this missense variant does not alter protein structure/function; Has not been previously published as pathogenic or benign to our knowledge

NM_001042424.3(NSD2):c.1478T>C (p.Leu493Pro)

Gene: NSD2 (nuclear receptor binding SET domain protein 2; plus strand). Cytogenetic location: 4p16.3.
Variant type: single nucleotide variant.
Coding change: c.1478T>C on transcript NM_001042424.3 (MANE Select); coding-DNA position 1478, T replaced by C.
Protein change: p.Leu493Pro; replaces leucine 493 with proline.
Molecular consequence: missense variant.
Genome position (GRCh38, 1-based): chr4:1,930,693, T>C. VCF-style: chr4-1930693-T-C. GRCh37 (hg19) VCF-style: chr4-1932420-T-C.
Other names: c.1478T>C, p.Leu493Pro (NM_001440892.1, NM_001440894.1, NM_001440895.1 and 8 more transcripts); c.1577T>C, p.Leu526Pro (NM_001440893.1); c.509T>C, p.Leu170Pro (NM_001440899.1, NM_001440900.1); short protein forms L170P, L493P, L526P.
Identifiers: ClinVar variation 4976231 (VCV004976231.1).